The following is an entry in ClinVar:

ClinVar aggregate classification (germline): Uncertain significance (1 of 4 stars; one submission).

gnomAD v4.1: 2 of 1,613,440 alleles (0.00012%); highest among the groups gnomAD compares: Non-Finnish European, 0.00017%; no homozygotes.

Submission:

CeGaT Center for Human Genetics Tuebingen
Classification: Uncertain significance. Last evaluated: 2024-07-01. Review status: criteria provided, single submitter. Criteria: CeGaT Center For Human Genetics Tuebingen Variant Classification Criteria Version 2. Collection method: clinical testing. Allele origin: germline. Affected: yes. Observed: 1 variant allele.
Comment: SOX10: PM2

NM_006941.4(SOX10):c.1288C>T (p.Pro430Ser)

Genes: POLR2F (RNA polymerase II, I and III subunit F; plus strand), SOX10 (SRY-box transcription factor 10; minus strand). Cytogenetic location: 22q13.1.
Variant type: single nucleotide variant.
Coding change: c.1288C>T on transcript NM_006941.4 (MANE Select); coding-DNA position 1288, C replaced by T.
Protein change: p.Pro430Ser; replaces proline 430 with serine.
Molecular consequence: missense variant. On other transcripts: intron variant (3).
Genome position (GRCh38, 1-based): chr22:37,973,608, G>A on the plus strand (C>T on the coding strand, the complement: SOX10 is on the minus strand). VCF-style: chr22-37973608-G-A. GRCh37 (hg19) VCF-style: chr22-38369615-G-A.
Other names: c.*38+1298G>A (NM_001363825.1); c.293+6438G>A (NM_001301130.2, NM_001301131.2); short protein forms P430S.
Identifiers: ClinVar variation 3257489 (VCV003257489.16).